The following is an entry in ClinVar:

ClinVar aggregate classification (germline): Uncertain significance (1 of 4 stars; one submission).

Submission:

Labcorp Genetics (formerly Invitae), Labcorp
Classification: Uncertain significance. Last evaluated: 2024-02-14. Review status: criteria provided, single submitter. Criteria: Invitae Variant Classification Sherloc (09022015). Collection method: clinical testing. Allele origin: germline.
Comment: This sequence change falls in intron 18 of the BUB1 gene. It does not directly change the encoded amino acid sequence of the BUB1 protein. The frequency data for this variant in the population databases is considered unreliable, as metrics indicate poor data quality at this position in the gnomAD database. This variant has not been reported in the literature in individuals affected with BUB1-related conditions. In summary, the available evidence is currently insufficient to determine the role of this variant in disease. Therefore, it has been classified as a Variant of Uncertain Significance.

NM_004336.5(BUB1):c.2204-8C>T

Gene: BUB1 (BUB1 mitotic checkpoint serine/threonine kinase; minus strand). Cytogenetic location: 2q13.
Variant type: single nucleotide variant.
Coding change: c.2204-8C>T on transcript NM_004336.5 (MANE Select); 8 bases into the intron before coding-DNA position 2204, C replaced by T.
Molecular consequence: intron variant.
Genome position (GRCh38, 1-based): chr2:110,649,385, G>A on the plus strand (C>T on the coding strand, the complement: BUB1 is on the minus strand). VCF-style: chr2-110649385-G-A. GRCh37 (hg19) VCF-style: chr2-111406962-G-A.
Other names: c.2144-8C>T (NM_001278616.2); c.2204-8C>T (NM_001278617.2).
Identifiers: ClinVar variation 3668477 (VCV003668477.2).
Genomic context (GRCh38, chr2:110,649,385, plus strand): 5'-AGATAAAAGTTTGAAAATCAGCTTATCATCCCATGGGTTCCCAACAATGAAGTCTTAAAG[G>A]AATGAGAAAAAAAAAAAAAAAGGGAACATGAATTGAGTACTCAAGAACTTTACCAAATAA-3'